The following is an entry in ClinVar:

ClinVar aggregate classification (germline): Conflicting classifications of pathogenicity. Review status: criteria provided, conflicting classifications (1 of 4 stars). 4 submissions from 4 submitters: Uncertain significance (2); Likely benign (2). Last evaluated 2025-07-12.

Conditions:
TTN-related disorder. Also called: TTN-related condition; TTN-related disease; TTN-related disorders.

Allele frequency attached by ClinVar (database versions not stated): gnomAD exomes below 0.00001.
gnomAD v4.1: 1 of 1,613,864 alleles (0.000062%); highest among the groups gnomAD compares: East Asian, 0.0022%; no homozygotes.

Submissions (4):

PreventionGenetics, part of Exact Sciences
Classification: Uncertain significance for TTN-related condition. Last evaluated: 2025-07-12. Review status: criteria provided, single submitter. Criteria: ACMG Guidelines, 2015. Collection method: clinical testing. Allele origin: germline.
Comment: The TTN c.93908T>C variant is predicted to result in the amino acid substitution p.Val31303Ala. To our knowledge, this variant has not been reported in the literature or in a large population database (gnomAD), indicating this variant is rare. At this time, the clinical significance of this variant is uncertain due to the absence of conclusive functional and genetic evidence.

Blueprint Genetics
Classification: Likely benign. Last evaluated: 2024-09-13. Review status: criteria provided, single submitter. Criteria: ACMG Guidelines, 2015. Collection method: clinical testing. Allele origin: germline.

CeGaT Center for Human Genetics Tuebingen
Classification: Uncertain significance. Last evaluated: 2024-05-01. Review status: criteria provided, single submitter. Criteria: CeGaT Center For Human Genetics Tuebingen Variant Classification Criteria Version 2. Collection method: clinical testing. Allele origin: germline. Affected: yes. Observed: 1 variant allele.
Comment: TTN: PM2

GeneDx
Classification: Likely benign. Last evaluated: 2019-07-30. Review status: criteria provided, single submitter. Criteria: GeneDx Variant Classification Process June 2021. Collection method: clinical testing. Allele origin: germline. Affected: yes.

NM_001267550.2(TTN):c.93908T>C (p.Val31303Ala)

Genes: TTN (titin; minus strand), TTN-AS1 (TTN antisense RNA 1; plus strand). Cytogenetic location: 2q31.2.
Variant type: single nucleotide variant.
Coding change: c.93908T>C on transcript NM_001267550.2 (MANE Select); coding-DNA position 93908, T replaced by C.
Protein change: p.Val31303Ala; replaces valine 31303 with alanine.
Molecular consequence: missense variant.
Genome position (GRCh38, 1-based): chr2:178,547,718, A>G on the plus strand (T>C on the coding strand, the complement: TTN is on the minus strand). VCF-style: chr2-178547718-A-G. GRCh37 (hg19) VCF-style: chr2-179412445-A-G.
Other names: c.88985T>C, p.Val29662Ala (NM_001256850.1); c.66713T>C, p.Val22238Ala (NM_003319.4); c.86204T>C, p.Val28735Ala (NM_133378.4); c.67088T>C, p.Val22363Ala (NM_133432.3); c.67289T>C, p.Val22430Ala (NM_133437.4); short protein forms V22238A, V22363A, V22430A, V28735A, V29662A, V31303A.
Identifiers: ClinVar variation 1195682 (VCV001195682.23), dbSNP rs1697801738, ClinGen allele CA349479696.